The following is an entry in ClinVar:

ClinVar aggregate classification (germline): Conflicting classifications of pathogenicity. Review status: criteria provided, conflicting classifications (1 of 4 stars). 2 submissions from 2 submitters: Uncertain significance (1); Likely benign (1). Last evaluated 2024-10-17.

Conditions:
Familial thoracic aortic aneurysm and aortic dissection (TAAD). Also called: Thoracic aortic aneurysms and dissections. Identifiers: Orphanet 91387, MedGen C4707243, MONDO:0019625.
Melnick-Needles syndrome (MNS). Also called: Melnick-Needles Syndrome (FLNA-MNS); MELNICK-NEEDLES OSTEODYSPLASTY; OSTEODYSPLASTY OF MELNICK AND NEEDLES. Identifiers: Orphanet 2484, MedGen C0025237, MONDO:0010650, OMIM 309350.
Frontometaphyseal dysplasia (FMD1). Identifiers: Orphanet 1826, MedGen C0265293, MONDO:0015942.
Heterotopia, periventricular, X-linked dominant (PVNH1). Also called: X-linked periventricular heterotopia; PERIVENTRICULAR NODULAR HETEROTOPIA 4; HETEROTOPIA, PERIVENTRICULAR, 1; PERIVENTRICULAR NODULAR HETEROTOPIA 1. Identifiers: Orphanet 2149, Orphanet 82004, MedGen C1848213, MONDO:0010233, OMIM 300049.
Oto-palato-digital syndrome, type II (OPD2). Also called: Otopalatodigital Syndrome Type 2 (FLNA-OPD2); FACIOPALATOOSSEOUS SYNDROME; OPD II SYNDROME; Otopalatodigital Syndrome, Type II. Identifiers: Orphanet 669, Orphanet 90652, MedGen C1844696, MONDO:0010571, OMIM 304120.

Allele frequency attached by ClinVar (database versions not stated): gnomAD 0.00001; gnomAD exomes 0.00001 and 0.00005; TOPMed 0.00001; ExAC 0.00006; 1000 Genomes Project 30x 0.00021; 1000 Genomes Project 0.00026.
gnomAD v4.1: 12 of 1,210,621 alleles (0.00099%); highest among the groups gnomAD compares: East Asian, 0.033%; no homozygotes.

Submissions (2):

Labcorp Genetics (formerly Invitae), Labcorp
Classification: Likely benign for Oto-palato-digital syndrome, type II; Heterotopia, periventricular, X-linked dominant; Frontometaphyseal dysplasia; Melnick-Needles syndrome. Last evaluated: 2024-10-17. Review status: criteria provided, single submitter. Criteria: Invitae Variant Classification Sherloc (09022015). Collection method: clinical testing. Allele origin: germline.

Ambry Genetics
Classification: Uncertain significance for Familial thoracic aortic aneurysm and aortic dissection. Last evaluated: 2015-09-15. Review status: criteria provided, single submitter. Criteria: Ambry Variant Classification Scheme 2023. Collection method: clinical testing. Allele origin: germline.
Comment: The p.P348A variant (also known as c.1042C>G), located in coding exon 6 of the FLNA gene, results from a C to G substitution at nucleotide position 1042. The proline at codon 348 is replaced by alanine, an amino acid with some highly similar properties. Based on data from ExAC, the G allele has an overall frequency of approximately 0.01% (5/86552). The highest observed frequency was 0.08% (5/6607) of East Asian alleles (Exome Aggregation Consortium (ExAC), Cambridge, MA (URL) [Accessed September 14, 2015]). This variant was not reported in population based cohorts in the following databases: Database of Single Nucleotide Polymorphisms (dbSNP), NHLBI Exome Sequencing Project (ESP), and 1000 Genomes Project. In the ESP, this variant was not observed in 6193 samples (12386 alleles) with coverage at this position. This amino acid position is highly conserved in available vertebrate species. In addition, this alteration is predicted to be deleterious by in silico analysis. Since supporting evidence is limited at this time, the clinical significance of this variant remains unclear.

NM_001110556.2(FLNA):c.1042C>G (p.Pro348Ala)

Gene: FLNA (filamin A; minus strand). Cytogenetic location: Xq28.
Variant type: single nucleotide variant.
Coding change: c.1042C>G on transcript NM_001110556.2 (MANE Select); coding-DNA position 1042, C replaced by G.
Protein change: p.Pro348Ala; replaces proline 348 with alanine.
Molecular consequence: missense variant.
Genome position (GRCh38, 1-based): chrX:154,366,585, G>C on the plus strand (C>G on the coding strand, the complement: FLNA is on the minus strand). VCF-style: chrX-154366585-G-C. GRCh37 (hg19) VCF-style: chrX-153594953-G-C.
Other names: c.1042C>G, p.Pro348Ala (NM_001456.4); short protein forms P348A.
Identifiers: ClinVar variation 264416 (VCV000264416.13), dbSNP rs782643025, ClinGen allele CA10561292.